The following is an entry in ClinVar:

ClinVar aggregate classification (germline): Uncertain significance. Review status: criteria provided, multiple submitters, no conflicts (2 of 4 stars). 3 submissions from 3 submitters: Uncertain significance (3). Last evaluated 2025-03-09.

Conditions:
Progressive sclerosing poliodystrophy (MTDPS4A). Also called: NEURONAL DEGENERATION OF CHILDHOOD WITH LIVER DISEASE, PROGRESSIVE; ALPERS PROGRESSIVE INFANTILE POLIODYSTROPHY; Alpers-Huttenlocher Syndrome (AHS); Mitochondrial DNA depletion syndrome 4A (Alpers type); Mitochondrial DNA Depletion Syndrome 4A; Alpers Syndrome. Identifiers: Orphanet 726, MedGen C0205710, MONDO:0008758, OMIM 203700.

Allele frequency attached by ClinVar (database versions not stated): TOPMed below 0.00001; gnomAD 0.00001; gnomAD exomes 0.00001.
gnomAD v4.1: 10 of 1,613,992 alleles (0.00062%); highest among the groups gnomAD compares: Admixed American, 0.0067%; no homozygotes.

Submissions (3):

Labcorp Genetics (formerly Invitae), Labcorp
Classification: Uncertain significance for Progressive sclerosing poliodystrophy. Last evaluated: 2025-03-09. Review status: criteria provided, single submitter. Criteria: Invitae Variant Classification Sherloc (09022015). Collection method: clinical testing. Allele origin: germline.
Comment: This sequence change replaces leucine, which is neutral and non-polar, with valine, which is neutral and non-polar, at codon 558 of the POLG protein (p.Leu558Val). This variant is present in population databases (no rsID available, gnomAD 0.009%). This variant has not been reported in the literature in individuals affected with POLG-related conditions. ClinVar contains an entry for this variant (Variation ID: 458691). Invitae Evidence Modeling of protein sequence and biophysical properties (such as structural, functional, and spatial information, amino acid conservation, physicochemical variation, residue mobility, and thermodynamic stability) indicates that this missense variant is not expected to disrupt POLG protein function with a negative predictive value of 95%. In summary, the available evidence is currently insufficient to determine the role of this variant in disease. Therefore, it has been classified as a Variant of Uncertain Significance.

Mayo Clinic Laboratories, Mayo Clinic
Classification: Uncertain significance. Last evaluated: 2024-12-28. Review status: criteria provided, single submitter. Criteria: ACMG Guidelines, 2015. Collection method: clinical testing. Allele origin: germline. Observed: 1 variant allele.
Comment: BP4

GeneDx
Classification: Uncertain significance. Last evaluated: 2022-07-21. Review status: criteria provided, single submitter. Criteria: GeneDx Variant Classification Process June 2021. Collection method: clinical testing. Allele origin: germline. Affected: yes.
Comment: Has not been previously published as pathogenic or benign to our knowledge; Not observed at significant frequency in large population cohorts (gnomAD); In silico analysis supports that this missense variant does not alter protein structure/function

NM_002693.3(POLG):c.1672C>G (p.Leu558Val)

Gene: POLG (DNA polymerase gamma, catalytic subunit; minus strand). Cytogenetic location: 15q26.1.
Variant type: single nucleotide variant.
Coding change: c.1672C>G on transcript NM_002693.3 (MANE Select); coding-DNA position 1672, C replaced by G.
Protein change: p.Leu558Val; replaces leucine 558 with valine.
Molecular consequence: missense variant.
Genome position (GRCh38, 1-based): chr15:89,326,652, G>C on the plus strand (C>G on the coding strand, the complement: POLG is on the minus strand). VCF-style: chr15-89326652-G-C. GRCh37 (hg19) VCF-style: chr15-89869883-G-C.
Other names: p.Leu558Val; c.1672C>G, p.Leu558Val (NM_001126131.2); short protein forms L558V.
Identifiers: ClinVar variation 458691 (VCV000458691.7), dbSNP rs1411219168, ClinGen allele CA393760499.